The following is an entry in ClinVar:

ClinVar aggregate classification (germline): Uncertain significance (1 of 4 stars; one submission).

Conditions:
Wilms tumor 1 (WT1). Also called: Wilms tumor, somatic. Identifiers: Orphanet 654, MedGen CN033288, MONDO:0008679, OMIM 194070.

Allele frequency attached by ClinVar (database versions not stated): ExAC 0.00001; ESP Exome Variant Server 0.00009.

Submission:

Labcorp Genetics (formerly Invitae), Labcorp
Classification: Uncertain significance for Wilms tumor 1. Last evaluated: 2022-10-19. Review status: criteria provided, single submitter. Criteria: Invitae Variant Classification Sherloc (09022015). Collection method: clinical testing. Allele origin: germline.
Comment: In summary, the available evidence is currently insufficient to determine the role of this variant in disease. Therefore, it has been classified as a Variant of Uncertain Significance. Advanced modeling of protein sequence and biophysical properties (such as structural, functional, and spatial information, amino acid conservation, physicochemical variation, residue mobility, and thermodynamic stability) performed at Invitae indicates that this missense variant is not expected to disrupt GPC3 protein function. This variant has not been reported in the literature in individuals affected with GPC3-related conditions. This variant is present in population databases (rs147911580, gnomAD 0.008%). This sequence change replaces asparagine, which is neutral and polar, with serine, which is neutral and polar, at codon 308 of the GPC3 protein (p.Asn308Ser).

NM_004484.4(GPC3):c.923A>G (p.Asn308Ser)

Gene: GPC3 (glypican 3; minus strand). Cytogenetic location: Xq26.2.
Variant type: single nucleotide variant.
Coding change: c.923A>G on transcript NM_004484.4 (MANE Select); coding-DNA position 923, A replaced by G.
Protein change: p.Asn308Ser; replaces asparagine 308 with serine.
Molecular consequence: missense variant.
Genome position (GRCh38, 1-based): chrX:133,753,591, T>C on the plus strand (A>G on the coding strand, the complement: GPC3 is on the minus strand). VCF-style: chrX-133753591-T-C. GRCh37 (hg19) VCF-style: chrX-132887618-T-C.
Other names: c.923A>G, p.Asn308Ser (NM_001164617.2); c.875A>G, p.Asn292Ser (NM_001164618.2); c.761A>G, p.Asn254Ser (NM_001164619.2); short protein forms N254S, N292S, N308S.
Identifiers: ClinVar variation 2095414 (VCV002095414.4), dbSNP rs147911580, ClinGen allele CA10520775.